The following is an entry in ClinVar:

NM_017617.5(NOTCH1):c.6793G>C (p.Ala2265Pro)

Gene: NOTCH1 (notch receptor 1; minus strand). Cytogenetic location: 9q34.3.
Variant type: single nucleotide variant.
Coding change: c.6793G>C on transcript NM_017617.5 (MANE Select); coding-DNA position 6793, G replaced by C.
Protein change: p.Ala2265Pro; replaces alanine 2265 with proline.
Molecular consequence: missense variant.
Genome position (GRCh38, 1-based): chr9:136,496,946, C>G on the plus strand (G>C on the coding strand, the complement: NOTCH1 is on the minus strand). VCF-style: chr9-136496946-C-G. GRCh37 (hg19) VCF-style: chr9-139391398-C-G.
Other names: c.6793G>C (NM_017617.3); short protein forms A2265P.
Identifiers: ClinVar variation 1895811 (VCV001895811.6), dbSNP rs777902922, ClinGen allele CA375630267.

ClinVar aggregate classification (germline): Uncertain significance. Review status: criteria provided, multiple submitters, no conflicts (2 of 4 stars). 2 submissions from 2 submitters: Uncertain significance (2). Last evaluated 2024-11-10.

Conditions:
Adams-Oliver syndrome 5 (AOS5). Identifiers: Orphanet 974, MedGen C4014970, MONDO:0014459, OMIM 616028.
Familial thoracic aortic aneurysm and aortic dissection (TAAD). Also called: Thoracic aortic aneurysms and dissections. Identifiers: Orphanet 91387, MedGen C4707243, MONDO:0019625.

Submissions (2):

Ambry Genetics
Classification: Uncertain significance for Familial thoracic aortic aneurysm and aortic dissection. Last evaluated: 2024-11-10. Review status: criteria provided, single submitter. Criteria: Ambry Variant Classification Scheme 2023. Collection method: clinical testing. Allele origin: germline.
Comment: The p.A2265P variant (also known as c.6793G>C), located in coding exon 34 of the NOTCH1 gene, results from a G to C substitution at nucleotide position 6793. The alanine at codon 2265 is replaced by proline, an amino acid with highly similar properties. This amino acid position is conserved. In addition, this alteration is predicted to be tolerated by in silico analysis. Based on the available evidence, the clinical significance of this variant remains unclear.

Labcorp Genetics (formerly Invitae), Labcorp
Classification: Uncertain significance for Adams-Oliver syndrome 5. Last evaluated: 2022-05-27. Review status: criteria provided, single submitter. Criteria: Invitae Variant Classification Sherloc (09022015). Collection method: clinical testing. Allele origin: germline.
Comment: Advanced modeling of protein sequence and biophysical properties (such as structural, functional, and spatial information, amino acid conservation, physicochemical variation, residue mobility, and thermodynamic stability) performed at Invitae indicates that this missense variant is not expected to disrupt NOTCH1 protein function. This variant has not been reported in the literature in individuals affected with NOTCH1-related conditions. In summary, the available evidence is currently insufficient to determine the role of this variant in disease. Therefore, it has been classified as a Variant of Uncertain Significance. This variant is not present in population databases (gnomAD no frequency). This sequence change replaces alanine, which is neutral and non-polar, with proline, which is neutral and non-polar, at codon 2265 of the NOTCH1 protein (p.Ala2265Pro).